The following is an entry in ClinVar:

NM_000426.4(LAMA2):c.2856+1068G>A

Gene: LAMA2 (laminin subunit alpha 2; plus strand). Cytogenetic location: 6q22.33.
Variant type: single nucleotide variant.
Coding change: c.2856+1068G>A on transcript NM_000426.4 (MANE Select); 1068 bases into the intron after coding-DNA position 2856, G replaced by A.
Molecular consequence: intron variant.
Genome position (GRCh38, 1-based): chr6:129,292,788, G>A. VCF-style: chr6-129292788-G-A. GRCh37 (hg19) VCF-style: chr6-129613933-G-A.
Other names: c.2856+1068G>A (NM_001079823.2).
Identifiers: ClinVar variation 3536865 (VCV003536865.2).
Genomic context (GRCh38, chr6:129,292,788, plus strand): 5'-TCATCTGCTTCTGTCTCTTGAATAATATCATTGCTCTGTTTTGTTTTTATTTTATTTTAT[G>A]GTTGGTTTTTAAAGCCCAATATGTGGCGGGATCCAGAGAAGCGATTCTGTGTGCTATGTG-3'

ClinVar aggregate classification (germline): Likely pathogenic (1 of 4 stars; one submission).

Conditions:
Inborn genetic diseases. Identifiers: MedGen C0950123, MeSH D030342.

gnomAD v4.1: 72 of 984,380 alleles (0.0073%); highest among the groups gnomAD compares: Non-Finnish European, 0.0083%; no homozygotes.

Submission:

Ambry Genetics
Classification: Likely pathogenic for Inborn genetic diseases. Last evaluated: 2025-11-10. Review status: criteria provided, single submitter. Criteria: Ambry Variant Classification Scheme 2023. Collection method: clinical testing. Allele origin: germline.
Comment: The c.2856+1068G>A intronic alteration results from a G to A substitution 1068 nucleotides after coding exon 20 of the LAMA2 gene. Based on data from gnomAD, the A allele has an overall frequency of 0.003% (1/31398) total alleles studied. The highest observed frequency was 0.007% (1/15420) of European (non-Finnish) alleles. This variant has been identified in the homozygous state and/or in conjunction with other LAMA2 variant(s) in individual(s) with features consistent with LAMA2-related muscular dystrophy (external communication). This nucleotide position is poorly conserved in available vertebrate species. In silico splice site analysis predicts that this alteration will result in the creation or strengthening of a novel splice acceptor site. Based on the available evidence, this alteration is classified as likely pathogenic.